The following is an entry in ClinVar:

NM_001039591.3(USP9X):c.2754T>G (p.Cys918Trp)

Gene: USP9X (ubiquitin specific peptidase 9 X-linked; plus strand). Cytogenetic location: Xp11.4.
Variant type: single nucleotide variant.
Coding change: c.2754T>G on transcript NM_001039591.3 (MANE Select); coding-DNA position 2754, T replaced by G.
Protein change: p.Cys918Trp; replaces cysteine 918 with tryptophan.
Molecular consequence: missense variant.
Genome position (GRCh38, 1-based): chrX:41,170,112, T>G. VCF-style: chrX-41170112-T-G. GRCh37 (hg19) VCF-style: chrX-41029365-T-G.
Other names: c.2754T>G, p.Cys918Trp (NM_001039590.3); c.2769T>G, p.Cys923Trp (NM_001410748.1, NM_001410749.1); short protein forms C918W, C923W.
Identifiers: ClinVar variation 1710058 (VCV001710058.2), dbSNP rs2519225091, ClinGen allele CA412758270.

ClinVar aggregate classification (germline): Uncertain significance (1 of 4 stars; one submission).

Conditions:
Intellectual developmental disorder, X-linked 99. Also called: Intellectual disability, X-linked 99. Identifiers: Orphanet 777, MedGen C3806746, MONDO:0010487, OMIM 300919.

Submission:

MGZ Medical Genetics Center
Classification: Uncertain significance for Intellectual developmental disorder, X-linked 99. Last evaluated: 2022-02-10. Review status: criteria provided, single submitter. Criteria: ACMG Guidelines, 2015. Collection method: clinical testing. Allele origin: germline. Affected: yes. Observed: 1 variant allele.
Comment: ACMG criteria applied: PM2_SUP, PP2